The following is an entry in ClinVar:

ClinVar aggregate classification (germline): Uncertain significance (1 of 4 stars; one submission).

Submission:

Laboratory for Molecular Medicine, Mass General Brigham Personalized Medicine
Classification: Uncertain significance. Last evaluated: 2010-06-25. Review status: criteria provided, single submitter. Criteria: LMM Criteria. Collection method: clinical testing. Allele origin: germline. Observed: 1 variant allele.
Comment: Variant classified as Uncertain Significance - Favor Pathogenic.

NM_002294.3(LAMP2):c.184-7C>G

Gene: LAMP2 (lysosomal associated membrane protein 2; minus strand). Cytogenetic location: Xq24.
Variant type: single nucleotide variant.
Coding change: c.184-7C>G on transcript NM_002294.3 (MANE Select); 7 bases into the intron before coding-DNA position 184, C replaced by G.
Molecular consequence: intron variant.
Genome position (GRCh38, 1-based): chrX:120,455,577, G>C on the plus strand (C>G on the coding strand, the complement: LAMP2 is on the minus strand). VCF-style: chrX-120455577-G-C. GRCh37 (hg19) VCF-style: chrX-119589432-G-C.
Other names: c.184-7C>G (NM_001122606.1, NM_013995.2).
Identifiers: ClinVar variation 44420 (VCV000044420.4), dbSNP rs397516737, ClinGen allele CA134086.